The following is an entry in ClinVar:

NM_006516.4(SLC2A1):c.972G>A (p.Ser324=)

Gene: SLC2A1 (solute carrier family 2 member 1; minus strand). Cytogenetic location: 1p34.2.
Variant type: single nucleotide variant.
Coding change: c.972G>A on transcript NM_006516.4 (MANE Select); coding-DNA position 972, G replaced by A.
Protein change: p.Ser324=; no amino-acid change (serine 324 retained).
Molecular consequence: synonymous variant.
Genome position (GRCh38, 1-based): chr1:42,929,210, C>T on the plus strand (G>A on the coding strand, the complement: SLC2A1 is on the minus strand). VCF-style: chr1-42929210-C-T. GRCh37 (hg19) VCF-style: chr1-43394881-C-T.
Other names: p.S324S:TCG>TCA.
Identifiers: ClinVar variation 207202 (VCV000207202.37), dbSNP rs796053254, ClinGen allele CA318449.

ClinVar aggregate classification (germline): Pathogenic/Likely pathogenic. Review status: criteria provided, multiple submitters, no conflicts (2 of 4 stars). 7 submissions from 7 submitters: Pathogenic (1); Likely pathogenic (5). 1 of the submissions does not count toward it. Last evaluated 2026-08-06.

Conditions:
Adult onset hereditary spastic paraplegia.
Dystonia 9 (DYT9). Also called: CHOREOATHETOSIS, KINESIGENIC, WITH EPISODIC ATAXIA AND SPASTICITY. Identifiers: Orphanet 53583, MedGen C1832855, MONDO:0010983, OMIM 601042.
SLC2A1-related disorder. Also called: SLC2A1-related condition; SLC2A1-related disorders.
GLUT1 deficiency syndrome 1, autosomal recessive. Identifiers: MedGen C3149117.
Encephalopathy due to GLUT1 deficiency. Also called: GLUT1 deficiency syndrome 1, infantile onset, severe; Classic Glucose Transporter Type 1 Deficiency Syndrome; GLUCOSE TRANSPORT DEFECT, BLOOD-BRAIN BARRIER; Glucose transporter protein syndrome; GLUT1 deficiency syndrome 1; De Vivo disease. Identifiers: Orphanet 71277, MedGen C4551966, MONDO:0011724, OMIM 606777.

Allele frequency attached by ClinVar (database versions not stated): gnomAD exomes below 0.00001.
gnomAD v4.1: 4 of 1,613,116 alleles (0.00025%); highest among the groups gnomAD compares: Non-Finnish European, 0.00034%; no homozygotes.

Submissions (7):

NHS Central & South Genomic Laboratory Hub
Classification: Likely pathogenic for Adult onset hereditary spastic paraplegia. Last evaluated: 2026-08-06. Review status: criteria provided, single submitter. Criteria: ACMG Guidelines, 2015. Collection method: clinical testing. Allele origin: germline. Affected: yes.

Labcorp Genetics (formerly Invitae), Labcorp
Classification: Likely pathogenic for GLUT1 deficiency syndrome 1, autosomal recessive. Last evaluated: 2024-02-02. Review status: criteria provided, single submitter. Criteria: Invitae Variant Classification Sherloc (09022015). Collection method: clinical testing. Allele origin: germline.
Comment: This sequence change affects codon 324 of the SLC2A1 mRNA. It is a 'silent' change, meaning that it does not change the encoded amino acid sequence of the SLC2A1 protein. This variant also falls at the last nucleotide of exon 7, which is part of the consensus splice site for this exon. This variant is not present in population databases (gnomAD no frequency). This variant has been observed in individual(s) with SLC2A1-related conditions (PMID: 29655203, 34279792). It has also been observed to segregate with disease in related individuals. ClinVar contains an entry for this variant (Variation ID: 207202). Variants that disrupt the consensus splice site are a relatively common cause of aberrant splicing (PMID: 17576681, 9536098). Algorithms developed to predict the effect of sequence changes on RNA splicing suggest that this variant may create or strengthen a splice site. In summary, the currently available evidence indicates that the variant is pathogenic, but additional data are needed to prove that conclusively. Therefore, this variant has been classified as Likely Pathogenic.

Genome-Nilou Lab
Classification: Likely pathogenic for Encephalopathy due to GLUT1 deficiency. Last evaluated: 2023-04-11. Review status: criteria provided, single submitter. Criteria: ACMG Guidelines, 2015. Collection method: clinical testing. Allele origin: germline. Affected: no.

CeGaT Center for Human Genetics Tuebingen
Classification: Likely pathogenic. Last evaluated: 2022-10-01. Review status: criteria provided, single submitter. Criteria: CeGaT Center For Human Genetics Tuebingen Variant Classification Criteria Version 2. Collection method: clinical testing. Allele origin: germline. Affected: yes. Observed: 1 variant allele.
Comment: SLC2A1: PP1:Strong, PS4:Moderate, PM2:Supporting, PP3

Mendelics
Classification: Pathogenic for Dystonia 9. Last evaluated: 2022-05-04. Review status: criteria provided, single submitter. Criteria: Mendelics Assertion Criteria 2019. Collection method: clinical testing. Allele origin: germline.

GeneDx
Classification: Likely pathogenic. Last evaluated: 2019-09-24. Review status: criteria provided, single submitter. Criteria: GeneDx Variant Classification Process June 2021. Collection method: clinical testing. Allele origin: germline. Affected: yes.
Comment: In-silico analysis, which includes splice predictors and evolutionary conservation, is inconclusive as to whether the variant alters gene splicing. In the absence of RNA/functional studies, the actual effect of this sequence change is unknown.; Not observed in large population cohorts (Lek et al., 2016); This variant is associated with the following publications: (PMID: 25099510, 29655203)

PreventionGenetics, part of Exact Sciences
Classification: Likely pathogenic for SLC2A1-related condition. Last evaluated: 2024-05-16. Review status: no assertion criteria provided. Collection method: clinical testing. Allele origin: germline. Not counted in ClinVar's aggregate classification.
Comment: The SLC2A1 c.972G>A variant is not predicted to result in an amino acid change (p.=). This variant has been reported and shown to co-segregate with disease in two apparently unrelated families with paroxysmal exercise–induced dyskinesia (PED) (Tacik et al. 2014. PubMed ID: 25099510; Gultekin et al. 2021. PubMed ID: 34279792). This variant has also been reported in one individual from a large cohort of patients with epilepsy and other neurodevelopmental disorders (Lindy et al. 2018. PubMed ID: 29655203). This variant affects the last nucleotide of the exon and is predicted to alter splicing (Alamut Visual Plus v1.6.1; SpliceAI, Jaganathan et al. 2019. PubMed ID: 30661751). However, RNA studies in blood did not show splicing defects (Tacik et al. 2014. PubMed ID: 25099510). Moreover, in one patient, CSF glucose as well as CSF-blood glucose ratio were within normal range (Patient 1 in Tacik et al. 2014. PubMed ID: 25099510). This variant has not been reported in the gnomAD database, indicating this variant is rare. Taken together, this variant is interpreted as likely pathogenic.

Literature cited by the submitters: PubMed 29655203 (cited by Labcorp Genetics (formerly Invitae), Labcorp); PubMed 34279792 (cited by Labcorp Genetics (formerly Invitae), Labcorp); PubMed 17576681 (cited by Labcorp Genetics (formerly Invitae), Labcorp); PubMed 9536098 (cited by Labcorp Genetics (formerly Invitae), Labcorp).